The following is an entry in ClinVar:

ClinVar aggregate classification (germline): Likely benign. Review status: criteria provided, multiple submitters, no conflicts (2 of 4 stars). 2 submissions from 2 submitters: Likely benign (2). Last evaluated 2023-05-11.

Allele frequency attached by ClinVar (database versions not stated): ExAC 0.00001; gnomAD exomes below 0.00001.
gnomAD v4.1: 1 of 1,613,646 alleles (0.000062%); highest among the groups gnomAD compares: Non-Finnish European, 0.000085%; no homozygotes.

Submissions (2):

Labcorp Genetics (formerly Invitae), Labcorp
Classification: Likely benign. Last evaluated: 2023-05-11. Review status: criteria provided, single submitter. Criteria: Invitae Variant Classification Sherloc (09022015). Collection method: clinical testing. Allele origin: germline.

Laboratory for Molecular Medicine, Mass General Brigham Personalized Medicine
Classification: Likely benign. Last evaluated: 2016-10-06. Review status: criteria provided, single submitter. Criteria: LMM Criteria. Collection method: clinical testing. Allele origin: germline. Observed: 1 variant allele.
Comment: c.1784+11T>G in intron 14 of PCDH15: This variant is not expected to have clinic al significance because it is not located within the splice consensus sequence. It has been identified in 1/65866 European chromosomes by the Exome Aggregation Consortium (ExAC; dbSNP rs769008985).

NM_001384140.1(PCDH15):c.1784+11T>G

Gene: PCDH15 (protocadherin related 15; minus strand). Cytogenetic location: 10q21.1.
Variant type: single nucleotide variant.
Coding change: c.1784+11T>G on transcript NM_001384140.1 (MANE Select); 11 bases into the intron after coding-DNA position 1784, T replaced by G.
Molecular consequence: intron variant.
Genome position (GRCh38, 1-based): chr10:54,153,089, A>C on the plus strand (T>G on the coding strand, the complement: PCDH15 is on the minus strand). VCF-style: chr10-54153089-A-C. GRCh37 (hg19) VCF-style: chr10-55912849-A-C.
Other names: c.1784+11T>G (NM_001354420.2, NM_001354429.2, NM_001142772.2 and 6 more transcripts); c.1799+11T>G (NM_001142771.2, NM_001142763.2); c.1805+11T>G (NM_001354411.2); c.1820+11T>G (NM_001142769.3); c.1718+11T>G (NM_001354404.2, NM_001142773.2, NM_001142768.2); c.1673+11T>G (NM_001142767.2).
Identifiers: ClinVar variation 505323 (VCV000505323.8), dbSNP rs769008985, ClinGen allele CA5506273.